The following is an entry in ClinVar:

NM_052876.4(NACC1):c.893G>T (p.Arg298Leu)

Gene: NACC1 (nucleus accumbens associated 1; plus strand). Cytogenetic location: 19p13.13.
Variant type: single nucleotide variant.
Coding change: c.893G>T on transcript NM_052876.4 (MANE Select); coding-DNA position 893, G replaced by T.
Protein change: p.Arg298Leu; replaces arginine 298 with leucine.
Molecular consequence: missense variant.
Genome position (GRCh38, 1-based): chr19:13,136,100, G>T. VCF-style: chr19-13136100-G-T. GRCh37 (hg19) VCF-style: chr19-13246914-G-T.
Other names: short protein forms R298L.
Identifiers: ClinVar variation 3384711 (VCV003384711.3).
Genomic context (GRCh38, chr19:13,136,100, plus strand): 5'-ACCACAATGAGGAGGACGAGGAGGAGGATGGTGGCGAGGAGGGCATGGATGAGCAGTACC[G>T]GCAGATCTGCAACATGTACACCATGTACAGCATGATGAACGTCGGCCAGACAGGTGAGGT-3'
Protein context (NP_443108.1, residues 288-308): GGEEGMDEQY[Arg298Leu]QICNMYTMYS

ClinVar aggregate classification (germline): Uncertain significance. Review status: criteria provided, multiple submitters, no conflicts (2 of 4 stars). 2 submissions from 2 submitters: Uncertain significance (2). Last evaluated 2025-06-13.

gnomAD v4.1: 6 of 1,613,840 alleles (0.00037%); highest among the groups gnomAD compares: Admixed American, 0.005%; no homozygotes.

Submissions (2):

Labcorp Genetics (formerly Invitae), Labcorp
Classification: Uncertain significance. Last evaluated: 2025-06-13. Review status: criteria provided, single submitter. Criteria: Invitae Variant Classification Sherloc (09022015). Collection method: clinical testing. Allele origin: germline.
Comment: This sequence change replaces arginine, which is basic and polar, with leucine, which is neutral and non-polar, at codon 298 of the NACC1 protein (p.Arg298Leu). This variant is present in population databases (rs766198300, gnomAD 0.003%). This variant has not been reported in the literature in individuals affected with NACC1-related conditions. ClinVar contains an entry for this variant (Variation ID: 3384711). Invitae Evidence Modeling of protein sequence and biophysical properties (such as structural, functional, and spatial information, amino acid conservation, physicochemical variation, residue mobility, and thermodynamic stability) indicates that this missense variant is not expected to disrupt NACC1 protein function with a negative predictive value of 80%. In summary, the available evidence is currently insufficient to determine the role of this variant in disease. Therefore, it has been classified as a Variant of Uncertain Significance.

Women's Health and Genetics/Laboratory Corporation of America, LabCorp
Classification: Uncertain significance. Last evaluated: 2024-10-30. Review status: criteria provided, single submitter. Criteria: LabCorp Variant Classification Summary - May 2015. Collection method: clinical testing. Allele origin: germline.
Comment: Variant summary: NACC1 c.893G>T (p.Arg298Leu) results in a non-conservative amino acid change in the encoded protein sequence. Three of five in-silico tools predict a benign effect of the variant on protein function. The variant allele was found at a frequency of 8e-06 in 250614 control chromosomes. The available data on variant occurrences in the general population are insufficient to allow any conclusion about variant significance. To our knowledge, no occurrence of c.893G>T in individuals affected with Neurodevelopmental Disorder With Epilepsy, Cataracts, Feeding Difficulties, And Delayed Brain Myelination and no experimental evidence demonstrating its impact on protein function have been reported. No submitters have cited clinical-significance assessments for this variant to ClinVar. Based on the evidence outlined above, the variant was classified as uncertain significance.